The following is an entry in ClinVar:

NM_014639.4(SKIC3):c.2703A>T (p.Gln901His)

Gene: SKIC3 (SKI3 subunit of superkiller complex; minus strand). Cytogenetic location: 5q15.
Variant type: single nucleotide variant.
Coding change: c.2703A>T on transcript NM_014639.4 (MANE Select); coding-DNA position 2703, A replaced by T.
Protein change: p.Gln901His; replaces glutamine 901 with histidine.
Molecular consequence: missense variant.
Genome position (GRCh38, 1-based): chr5:95,514,855, T>A on the plus strand (A>T on the coding strand, the complement: SKIC3 is on the minus strand). VCF-style: chr5-95514855-T-A. GRCh37 (hg19) VCF-style: chr5-94850559-T-A.
Other names: short protein forms Q901H.
Identifiers: ClinVar variation 1343650 (VCV001343650.3), dbSNP rs201479762, ClinGen allele CA3346998.

ClinVar aggregate classification (germline): Uncertain significance. Review status: criteria provided, multiple submitters, no conflicts (2 of 4 stars). 2 submissions from 2 submitters: Uncertain significance (2). Last evaluated 2022-05-15.

Allele frequency attached by ClinVar (database versions not stated): TOPMed 0.00004; gnomAD 0.00002.
gnomAD v4.1: 70 of 1,611,824 alleles (0.0043%); highest among the groups gnomAD compares: Non-Finnish European, 0.0057%; no homozygotes.

Submissions (2):

Labcorp Genetics (formerly Invitae), Labcorp
Classification: Uncertain significance. Last evaluated: 2022-05-15. Review status: criteria provided, single submitter. Criteria: Invitae Variant Classification Sherloc (09022015). Collection method: clinical testing. Allele origin: germline.
Comment: This sequence change replaces glutamine, which is neutral and polar, with histidine, which is basic and polar, at codon 901 of the TTC37 protein (p.Gln901His). This variant is present in population databases (rs201479762, gnomAD 0.005%). This variant has not been reported in the literature in individuals affected with TTC37-related conditions. Algorithms developed to predict the effect of missense changes on protein structure and function are either unavailable or do not agree on the potential impact of this missense change (SIFT: "Deleterious"; PolyPhen-2: "Probably Damaging"; Align-GVGD: "Class C0"). Algorithms developed to predict the effect of sequence changes on RNA splicing suggest that this variant may disrupt the consensus splice site. In summary, the available evidence is currently insufficient to determine the role of this variant in disease. Therefore, it has been classified as a Variant of Uncertain Significance.

Women's Health and Genetics/Laboratory Corporation of America, LabCorp
Classification: Uncertain significance. Last evaluated: 2022-02-18. Review status: criteria provided, single submitter. Criteria: LabCorp Variant Classification Summary - May 2015. Collection method: clinical testing. Allele origin: germline.